The following is an entry in ClinVar:

NM_000384.3(APOB):c.3787C>T (p.Leu1263Phe)

Gene: APOB (apolipoprotein B; minus strand). Cytogenetic location: 2p24.1.
Variant type: single nucleotide variant.
Coding change: c.3787C>T on transcript NM_000384.3 (MANE Select); coding-DNA position 3787, C replaced by T.
Protein change: p.Leu1263Phe; replaces leucine 1263 with phenylalanine.
Molecular consequence: missense variant.
Genome position (GRCh38, 1-based): chr2:21,014,503, G>A on the plus strand (C>T on the coding strand, the complement: APOB is on the minus strand). VCF-style: chr2-21014503-G-A. GRCh37 (hg19) VCF-style: chr2-21237375-G-A.
Other names: short protein forms L1263F.
Identifiers: ClinVar variation 3231407 (VCV003231407.1), dbSNP rs2465384648, ClinGen allele CA346008295.
Genomic context (GRCh38, chr2:21,014,503, plus strand): 5'-TTTACCTTTTTAAGAAGAGGTTTTCTGGGATGTGGAAGTCTGGCAATCCCATGTTCTGGA[G>A]GTTGAACTCCTTCAGGCTATTGAGGTGGTCTTGCAAAGTCTGGGTATAAGGAAGACTCCC-3'
Protein context (NP_000375.3, residues 1253-1273): DHLNSLKEFN[Leu1263Phe]QNMGLPDFHI

ClinVar aggregate classification (germline): Uncertain significance (1 of 4 stars; one submission).

Conditions:
Cardiovascular phenotype. Identifiers: MedGen CN230736.

Submission:

Ambry Genetics
Classification: Uncertain significance for Cardiovascular phenotype. Last evaluated: 2024-01-05. Review status: criteria provided, single submitter. Criteria: Ambry Variant Classification Scheme 2023. Collection method: clinical testing. Allele origin: germline.
Comment: The p.L1263F variant (also known as c.3787C>T), located in coding exon 24 of the APOB gene, results from a C to T substitution at nucleotide position 3787. The leucine at codon 1263 is replaced by phenylalanine, an amino acid with highly similar properties. This amino acid position is conserved. In addition, this alteration is predicted to be tolerated by in silico analysis. Since supporting evidence is limited at this time, the clinical significance of this alteration remains unclear.